The following is an entry in ClinVar:

ClinVar aggregate classification (germline): Uncertain significance. Review status: criteria provided, single submitter (1 of 4 stars). 2 submissions from 2 submitters: Uncertain significance (1). 1 of the submissions does not count toward it. Last evaluated 2022-11-30.

Conditions:
Cystic fibrosis (CF). Also called: MUCOVISCIDOSIS. Identifiers: Orphanet 586, MedGen C0010674, MONDO:0009061, OMIM 219700. Disease mechanism: loss of function.
CFTR-related disorder (CFTR-RD). Also called: CFTR-related disorders; CFTR-related condition. Identifiers: MedGen C5924204, MONDO:7770004.

Submissions (2):

Ambry Genetics
Classification: Uncertain significance for Cystic fibrosis. Last evaluated: 2022-11-30. Review status: criteria provided, single submitter. Criteria: Ambry Variant Classification Scheme 2023. Collection method: clinical testing. Allele origin: germline.
Comment: The p.T757I variant (also known as c.2270C>T), located in coding exon 14 of the CFTR gene, results from a C to T substitution at nucleotide position 2270. The threonine at codon 757 is replaced by isoleucine, an amino acid with similar properties. This amino acid position is conserved. In addition, the in silico prediction for this alteration is inconclusive. Since supporting evidence is limited at this time, the clinical significance of this alteration remains unclear.

Natera, Inc.
Classification: Uncertain significance for CFTR-related disorders. Last evaluated: 2025-02-24. Review status: no assertion criteria provided. Collection method: clinical testing. Allele origin: germline. Not counted in ClinVar's aggregate classification.

NM_000492.4(CFTR):c.2270C>T (p.Thr757Ile)

Gene: CFTR (CF transmembrane conductance regulator; plus strand). Cytogenetic location: 7q31.2.
Variant type: single nucleotide variant.
Coding change: c.2270C>T on transcript NM_000492.4 (MANE Select); coding-DNA position 2270, C replaced by T.
Protein change: p.Thr757Ile; replaces threonine 757 with isoleucine.
Molecular consequence: missense variant.
Genome position (GRCh38, 1-based): chr7:117,592,437, C>T. VCF-style: chr7-117592437-C-T. GRCh37 (hg19) VCF-style: chr7-117232491-C-T.
Other names: short protein forms T757I.
Identifiers: ClinVar variation 2453620 (VCV002453620.3), dbSNP rs1196473456, ClinGen allele CA368980758.
Genomic context (GRCh38, chr7:117,592,437, plus strand): 5'-CCTTAGTACCAGATTCTGAGCAGGGAGAGGCGATACTGCCTCGCATCAGCGTGATCAGCA[C>T]TGGCCCCACGCTTCAGGCACGAAGGAGGCAGTCTGTCCTGAACCTGATGACACACTCAGT-3'
Protein context (NP_000483.3, residues 747-767): AILPRISVIS[Thr757Ile]GPTLQARRRQ